The following is an entry in ClinVar:

ClinVar aggregate classification (germline): Conflicting classifications of pathogenicity. Review status: criteria provided, conflicting classifications (1 of 4 stars). 3 submissions from 3 submitters: Pathogenic (1); Likely pathogenic (1); Uncertain significance (1). Last evaluated 2026-08-07.

Conditions:
Hereditary cancer-predisposing syndrome. Also called: Neoplastic Syndromes, Hereditary; Hereditary neoplastic syndrome; Tumor predisposition; Hereditary Cancer Syndrome. Identifiers: Orphanet 140162, MedGen C0027672, MeSH D009386, MONDO:0015356.
Incidental Discovery. Identifiers: MedGen C1135954.

Submissions (3):

Clinical Genetics Laboratory, Skane University Hospital Lund
Classification: Likely pathogenic for Incidental Discovery. Last evaluated: 2026-08-07. Review status: criteria provided, single submitter. Criteria: ACMG Guidelines, 2015. Collection method: clinical testing. Allele origin: germline.
Comment: ACMG criteria used: PVS1, PM2

Ambry Genetics
Classification: Uncertain significance for Hereditary cancer-predisposing syndrome. Last evaluated: 2026-01-14. Review status: criteria provided, single submitter. Criteria: Ambry Variant Classification Scheme 2023. Collection method: clinical testing. Allele origin: germline.
Comment: The c.1503_1504delTG variant, located in coding exon 15 of the POLE gene, results from a deletion of two nucleotides at nucleotide positions 1503 to 1504, causing a translational frameshift with a predicted alternate stop codon (p.C501*). This alteration is expected to result in loss of function by premature protein truncation or nonsense-mediated mRNA decay. Although biallelic loss of function of POLE has been associated with autosomal recessive POLE deficiency, haploinsufficiency of POLE has not been established as a mechanism of disease for POLE-related polymerase proofreading-associated polyposis (PPAP) and POLE-related CMMRD-like syndrome. Based on the supporting evidence, this variant is expected to be causative of POLE deficiency when present along with a second pathogenic variant on the other allele; however, its clinical significance for PPAP and POLE-related CMMRD-like syndrome is unclear.

Labcorp Genetics (formerly Invitae), Labcorp
Classification: Pathogenic. Last evaluated: 2025-12-03. Review status: criteria provided, single submitter. Criteria: Invitae Variant Classification Sherloc (09022015). Collection method: clinical testing. Allele origin: germline.
Comment: This sequence change creates a premature translational stop signal (p.Cys501*) in the POLE gene. It is expected to result in an absent or disrupted protein product. Loss-of-function variants in POLE are known to be pathogenic (PMID: 23230001, 25948378, 30503519). This variant is present in population databases (rs762636894, gnomAD 0.004%). This premature translational stop signal has been observed in individual(s) with lung adenocarcinoma (PMID: 29625052). ClinVar contains an entry for this variant (Variation ID: 540762). For these reasons, this variant has been classified as Pathogenic.

Literature cited by the submitters: PubMed 23230001 (cited by Labcorp Genetics (formerly Invitae), Labcorp); PubMed 25948378 (cited by Labcorp Genetics (formerly Invitae), Labcorp); PubMed 30503519 (cited by Labcorp Genetics (formerly Invitae), Labcorp); PubMed 29625052 (cited by Labcorp Genetics (formerly Invitae), Labcorp).

NM_006231.4(POLE):c.1503_1504del (p.Cys501_Glu502delinsTer)

Gene: POLE (DNA polymerase epsilon, catalytic subunit; minus strand). Cytogenetic location: 12q24.33.
Variant type: Microsatellite.
Coding change: c.1503_1504del on transcript NM_006231.4 (MANE Select); coding-DNA positions 1503 to 1504, 2 bases deleted (TG; older notation c.1503_1504delTG).
Protein change: p.Cys501_Glu502delinsTer.
Molecular consequence: nonsense.
Genome position (GRCh38, 1-based): chr12:132,672,809-132,672,810, CA deleted on the plus strand (TG on the coding strand, the reverse complement: POLE is on the minus strand); deleting any 2 consecutive bases within chr12:132,672,809-132,672,814 gives the same sequence; the c. name uses the placement nearest the transcript's 3' end. VCF-style (leftmost placement, unchanged base first): chr12-132672808-TCA-T. GRCh37 (hg19) VCF-style: chr12-133249394-TCA-T.
Other names: c.1503_1504del (NM_006231.3).
Identifiers: ClinVar variation 540762 (VCV000540762.17), dbSNP rs762636894, ClinGen allele CA6893924.